The following is an entry in ClinVar:

NM_017617.5(NOTCH1):c.1076G>T (p.Cys359Phe)

Gene: NOTCH1 (notch receptor 1; minus strand). Cytogenetic location: 9q34.3.
Variant type: single nucleotide variant.
Coding change: c.1076G>T on transcript NM_017617.5 (MANE Select); coding-DNA position 1076, G replaced by T.
Protein change: p.Cys359Phe; replaces cysteine 359 with phenylalanine.
Molecular consequence: missense variant.
Genome position (GRCh38, 1-based): chr9:136,518,614, C>A on the plus strand (G>T on the coding strand, the complement: NOTCH1 is on the minus strand). VCF-style: chr9-136518614-C-A. GRCh37 (hg19) VCF-style: chr9-139413066-C-A.
Other names: short protein forms C359F.
Identifiers: ClinVar variation 3365474 (VCV003365474.1).

ClinVar aggregate classification (germline): Uncertain significance (1 of 4 stars; one submission).

Submission:

GeneDx
Classification: Uncertain significance. Last evaluated: 2023-12-16. Review status: criteria provided, single submitter. Criteria: GeneDx Variant Classification Process June 2021. Collection method: clinical testing. Allele origin: germline. Affected: yes.
Comment: Not observed at significant frequency in large population cohorts (gnomAD); In silico analysis supports that this missense variant has a deleterious effect on protein structure/function; Has not been previously published as pathogenic or benign to our knowledge